The following is an entry in ClinVar:

NM_153700.2(STRC):c.4439T>C (p.Ile1480Thr)

Gene: STRC (stereocilin; minus strand). Cytogenetic location: 15q15.3.
Variant type: single nucleotide variant.
Coding change: c.4439T>C on transcript NM_153700.2 (MANE Select); coding-DNA position 4439, T replaced by C.
Protein change: p.Ile1480Thr; replaces isoleucine 1480 with threonine.
Molecular consequence: missense variant.
Genome position (GRCh38, 1-based): chr15:43,603,348, A>G on the plus strand (T>C on the coding strand, the complement: STRC is on the minus strand). VCF-style: chr15-43603348-A-G. GRCh37 (hg19) VCF-style: chr15-43895546-A-G.
Other names: short protein forms I1480T.
Identifiers: ClinVar variation 3778378 (VCV003778378.7).

ClinVar aggregate classification (germline): Uncertain significance (1 of 4 stars; one submission).

gnomAD v4.1: 1 of 1,613,802 alleles (0.000062%); highest among the groups gnomAD compares: Non-Finnish European, 0.000085%; no homozygotes.

Submission:

CeGaT Center for Human Genetics Tuebingen
Classification: Uncertain significance. Last evaluated: 2025-02-01. Review status: criteria provided, single submitter. Criteria: CeGaT Center For Human Genetics Tuebingen Variant Classification Criteria Version 2. Collection method: clinical testing. Allele origin: germline. Affected: yes. Observed: 1 variant allele.
Comment: STRC: PM2, PM3:Supporting, PP3